The following is an entry in ClinVar:

ClinVar aggregate classification (germline): Uncertain significance (1 of 4 stars; one submission).

Conditions:
Epilepsy, X-linked 1, with variable learning disabilities and behavior disorders. Also called: X-linked epilepsy-learning disabilities-behavior disorders syndrome. Identifiers: Orphanet 85294, MedGen C5774177, MONDO:0010339, OMIM 300491.

Allele frequency attached by ClinVar (database versions not stated): TOPMed 0.00003; gnomAD exomes 0.00006; ExAC 0.00011.
gnomAD v4.1: 7 of 1,186,644 alleles (0.00059%); highest among the groups gnomAD compares: Admixed American, 0.017%; no homozygotes.

Submission:

Labcorp Genetics (formerly Invitae), Labcorp
Classification: Uncertain significance for Epilepsy, X-linked 1, with variable learning disabilities and behavior disorders. Last evaluated: 2024-02-20. Review status: criteria provided, single submitter. Criteria: Invitae Variant Classification Sherloc (09022015). Collection method: clinical testing. Allele origin: germline.
Comment: This sequence change replaces alanine, which is neutral and non-polar, with aspartic acid, which is acidic and polar, at codon 457 of the SYN1 protein (p.Ala457Asp). The frequency data for this variant in the population databases is considered unreliable, as metrics indicate poor data quality at this position in the gnomAD database. This variant has not been reported in the literature in individuals affected with SYN1-related conditions. ClinVar contains an entry for this variant (Variation ID: 853082). Experimental studies and prediction algorithms are not available or were not evaluated, and the functional significance of this variant is currently unknown. In summary, the available evidence is currently insufficient to determine the role of this variant in disease. Therefore, it has been classified as a Variant of Uncertain Significance.

NM_006950.3(SYN1):c.1370C>A (p.Ala457Asp)

Gene: SYN1 (synapsin I; minus strand). Cytogenetic location: Xp11.3.
Variant type: single nucleotide variant.
Coding change: c.1370C>A on transcript NM_006950.3 (MANE Select); coding-DNA position 1370, C replaced by A.
Protein change: p.Ala457Asp; replaces alanine 457 with aspartic acid.
Molecular consequence: missense variant.
Genome position (GRCh38, 1-based): chrX:47,574,711, G>T on the plus strand (C>A on the coding strand, the complement: SYN1 is on the minus strand). VCF-style: chrX-47574711-G-T. GRCh37 (hg19) VCF-style: chrX-47434110-G-T.
Other names: c.1370C>A, p.Ala457Asp (NM_133499.2); short protein forms A457D.
Identifiers: ClinVar variation 853082 (VCV000853082.10), dbSNP rs781533684, ClinGen allele CA10398360.
Genomic context (GRCh38, chrX:47,574,711, plus strand): 5'-TGAGGGAGGGGACTGCGACCGCCAGCCTCTCGCTTACCCTGTGGTGGGGGTCGCTGCTGA[G>T]CCGGGGGCCCTGCGGGCTGCTGGGAGGTCTGGCGGCCCAAGGGCAGGGCCCCTGGGGACG-3'
Protein context (NP_008881.2, residues 447-467): QTSQQPAGPP[Ala457Asp]QQRPPPQGGP